The following is an entry in ClinVar:

NM_020919.4(ALS2):c.3145T>G (p.Tyr1049Asp)

Gene: ALS2 (alsin Rho guanine nucleotide exchange factor ALS2; minus strand). Cytogenetic location: 2q33.1.
Variant type: single nucleotide variant.
Coding change: c.3145T>G on transcript NM_020919.4 (MANE Select); coding-DNA position 3145, T replaced by G.
Protein change: p.Tyr1049Asp; replaces tyrosine 1049 with aspartic acid.
Molecular consequence: missense variant.
Genome position (GRCh38, 1-based): chr2:201,726,701, A>C on the plus strand (T>G on the coding strand, the complement: ALS2 is on the minus strand). VCF-style: chr2-201726701-A-C. GRCh37 (hg19) VCF-style: chr2-202591424-A-C.
Other names: short protein forms Y1049D.
Identifiers: ClinVar variation 1392775 (VCV001392775.8), dbSNP rs1691184710, ClinGen allele CA350321048.

ClinVar aggregate classification (germline): Uncertain significance (1 of 4 stars; one submission).

Conditions:
Infantile-onset ascending hereditary spastic paralysis (IAHSP). Also called: Autosomal Recessive Juvenile Amyotrophic Lateral Sclerosis; Infantile-Onset Ascending Hereditary Spastic Paralysis (IAHSP). Identifiers: Orphanet 293168, MedGen C2931441, MONDO:0011797, OMIM 607225. Disease mechanism: loss of function.

Allele frequency attached by ClinVar (database versions not stated): TOPMed below 0.00001; gnomAD 0.00001.
gnomAD v4.1: 1 of 1,614,090 alleles (0.000062%); highest among the groups gnomAD compares: Non-Finnish European, 0.000085%; no homozygotes.

Submission:

Labcorp Genetics (formerly Invitae), Labcorp
Classification: Uncertain significance for Infantile-onset ascending hereditary spastic paralysis. Last evaluated: 2021-03-20. Review status: criteria provided, single submitter. Criteria: Invitae Variant Classification Sherloc (09022015). Collection method: clinical testing. Allele origin: germline.
Comment: This sequence change replaces tyrosine with aspartic acid at codon 1049 of the ALS2 protein (p.Tyr1049Asp). The tyrosine residue is highly conserved and there is a large physicochemical difference between tyrosine and aspartic acid. This variant is not present in population databases (ExAC no frequency). This variant has not been reported in the literature in individuals with ALS2-related conditions. Algorithms developed to predict the effect of missense changes on protein structure and function are either unavailable or do not agree on the potential impact of this missense change (SIFT: "Deleterious"; PolyPhen-2: "Probably Damaging"; Align-GVGD: "Class C15"). In summary, the available evidence is currently insufficient to determine the role of this variant in disease. Therefore, it has been classified as a Variant of Uncertain Significance.